The following is an entry in ClinVar:

NM_022455.5(NSD1):c.3345_3348del (p.Lys1115fs)

Gene: NSD1 (nuclear receptor binding SET domain protein 1; plus strand). Cytogenetic location: 5q35.3.
Variant type: Deletion.
Coding change: c.3345_3348del on transcript NM_022455.5 (MANE Select); coding-DNA positions 3345 to 3348, 4 bases deleted (GCAA; older notation c.3345_3348delGCAA).
Protein change: p.Lys1115fs; shifts the reading frame from lysine 1115.
Molecular consequence: frameshift variant.
Genome position (GRCh38, 1-based): chr5:177,211,744-177,211,747, GCAA deleted; deleting any 4 consecutive bases within chr5:177,211,742-177,211,747 gives the same sequence; the c. name uses the placement nearest the transcript's 3' end. VCF-style (leftmost placement, unchanged base first): chr5-177211741-TAAGC-T. GRCh37 (hg19) VCF-style: chr5-176638742-TAAGC-T.
Other names: c.2472_2475del, p.Lys824fs (NM_001365684.2, NM_001409306.1, NM_001409307.1 and 3 more transcripts); c.3345_3348del, p.Lys1115fs (NM_001409301.1, NM_001409302.1, NM_001409303.1); c.2925_2928del, p.Lys975fs (NM_001409304.1); c.2592_2595del, p.Lys864fs (NM_001409305.1); short protein forms K1115fs, K824fs, K864fs, K975fs.
Identifiers: ClinVar variation 3766576 (VCV003766576.1).
Genomic context (GRCh38, chr5:177,211,741, plus strand): 5'-GGGCCACTTAACAAGTGAAGATGGTGACCATTTTTCTGATGTGCATTTCGATAGCAAGGT[TAAGC>T]AATCTGATCCTGGTAAAATTTCTGAAAAAGGACTCTCTTTTGAAAACGGAAAAGGCCCAG-3'

ClinVar aggregate classification (germline): Pathogenic (1 of 4 stars; one submission).

Conditions:
Sotos syndrome (SOTOS). Also called: Distinctive facial appearance, overgrowth in childhood, and learning disabilities or delayed development; SOTOS SYNDROME 1; CHROMOSOME 5q35 DELETION SYNDROME; CEREBRAL GIGANTISM; Sotos' syndrome. Identifiers: Orphanet 821, MedGen C0175695, MONDO:0019349, OMIM 117550.

Submission:

ARUP Laboratories, Molecular Genetics and Genomics, ARUP Laboratories
Classification: Pathogenic for Sotos syndrome. Last evaluated: 2024-04-19. Review status: criteria provided, single submitter. Criteria: ARUP Molecular Germline Variant Investigation Process 2024. Collection method: clinical testing. Allele origin: germline.
Comment: The NSD1 c.3345_3348del; p.Lys1115AsnfsTer25 variant, to our knowledge, is not reported in the medical literature or gene specific databases. This variant is also absent from the Genome Aggregation Database (v2.1.1), indicating it is not a common polymorphism. This variant causes a frameshift by deleting four nucleotides in exon 5 of 23, so it is predicted to result in a truncated protein or mRNA subject to nonsense-mediated decay. Loss-of-function variants in the NSD1 gene, including those located in exon 5, are a known mechanism of disease (see Tatton-Brown 2005). Based on available information, this variant is considered to be pathogenic. References: Tatton-Brown K et al. Genotype-phenotype associations in Sotos syndrome: an analysis of 266 individuals with NSD1 aberrations. Am J Hum Genet. 2005 Aug;77(2):193-204. PMID: 15942875.